The following is an entry in ClinVar:

NM_000441.2(SLC26A4):c.1881del (p.Asp628fs)

Gene: SLC26A4 (solute carrier family 26 member 4; plus strand). Cytogenetic location: 7q22.3.
Variant type: Deletion.
Coding change: c.1881del on transcript NM_000441.2 (MANE Select); coding-DNA position 1881, one base deleted (T; older notation c.1881delT).
Protein change: p.Asp628fs; shifts the reading frame from aspartic acid 628.
Molecular consequence: frameshift variant.
Genome position (GRCh38, 1-based): chr7:107,701,904, T deleted; the last of 2 consecutive T bases (chr7:107,701,903-107,701,904); deleting either gives the same sequence. VCF-style (leftmost placement, unchanged base first): chr7-107701902-CT-C. GRCh37 (hg19) VCF-style: chr7-107342347-CT-C.
Other names: short protein forms D628fs.
Identifiers: ClinVar variation 2858131 (VCV002858131.3), dbSNP rs2535338139, ClinGen allele CA2739278918.

ClinVar aggregate classification (germline): Pathogenic (1 of 4 stars; one submission).

Submission:

Labcorp Genetics (formerly Invitae), Labcorp
Classification: Pathogenic. Last evaluated: 2023-04-22. Review status: criteria provided, single submitter. Criteria: Invitae Variant Classification Sherloc (09022015). Collection method: clinical testing. Allele origin: germline.
Comment: For these reasons, this variant has been classified as Pathogenic. This variant has not been reported in the literature in individuals affected with SLC26A4-related conditions. This variant is not present in population databases (gnomAD no frequency). This sequence change creates a premature translational stop signal (p.Asp628Ilefs*7) in the SLC26A4 gene. It is expected to result in an absent or disrupted protein product. Loss-of-function variants in SLC26A4 are known to be pathogenic (PMID: 16283880, 25394566, 26252218, 26445815).

Literature cited by the submitters: PubMed 16283880; PubMed 25394566; PubMed 26252218; PubMed 26445815.